The following is an entry in ClinVar:

NM_000038.6(APC):c.1310C>T (p.Pro437Leu)

Gene: APC (APC regulator of Wnt signaling pathway; plus strand). Cytogenetic location: 5q22.2.
Variant type: single nucleotide variant.
Coding change: c.1310C>T on transcript NM_000038.6 (MANE Select); coding-DNA position 1310, C replaced by T.
Protein change: p.Pro437Leu; replaces proline 437 with leucine.
Molecular consequence: missense variant.
Genome position (GRCh38, 1-based): chr5:112,819,342, C>T. VCF-style: chr5-112819342-C-T. GRCh37 (hg19) VCF-style: chr5-112155039-C-T.
Other names: c.1310C>T, p.Pro437Leu (NM_001127510.3, NM_001354895.2, NM_001354896.2 and 4 more transcripts); c.1256C>T, p.Pro419Leu (NM_001127511.3); c.1340C>T, p.Pro447Leu (NM_001354897.2, NM_001407446.1); c.1235C>T, p.Pro412Leu (NM_001354898.2, NM_001407451.1); c.1226C>T, p.Pro409Leu (NM_001354899.2, NM_001407452.1); c.1133C>T, p.Pro378Leu (NM_001354900.2, NM_001354901.2, NM_001407453.1); c.1037C>T, p.Pro346Leu (NM_001354902.2); c.1007C>T, p.Pro336Leu (NM_001354903.2, NM_001407454.1, NM_001407455.1 and 5 more transcripts); and 5 more; short protein forms P277L, P311L, P336L, P346L, P154L, P437L, P447L, P53L.
Identifiers: ClinVar variation 1769651 (VCV001769651.3), dbSNP rs762936223, ClinGen allele CA16024176.

ClinVar aggregate classification (germline): Uncertain significance. Review status: criteria provided, multiple submitters, no conflicts (2 of 4 stars). 2 submissions from 2 submitters: Uncertain significance (2). Last evaluated 2025-11-05.

Conditions:
Hereditary cancer-predisposing syndrome. Also called: Hereditary Cancer Syndrome; Hereditary neoplastic syndrome; Neoplastic Syndromes, Hereditary; Tumor predisposition. Identifiers: Orphanet 140162, MedGen C0027672, MeSH D009386, MONDO:0015356.
Familial adenomatous polyposis 1 (FAP1). Also called: FAMILIAL ADENOMATOUS POLYPOSIS 1, ATTENUATED; POLYPOSIS, ADENOMATOUS INTESTINAL. Identifiers: MedGen C2713442, MONDO:0021056, OMIM 175100. Disease mechanism: loss of function.

gnomAD v4.1: 1 of 1,613,964 alleles (0.000062%); highest among the groups gnomAD compares: Non-Finnish European, 0.000085%; no homozygotes.

Submissions (2):

Labcorp Genetics (formerly Invitae), Labcorp
Classification: Uncertain significance for Familial adenomatous polyposis 1. Last evaluated: 2025-11-05. Review status: criteria provided, single submitter. Criteria: Invitae Variant Classification Sherloc (09022015). Collection method: clinical testing. Allele origin: germline.
Comment: This sequence change replaces proline, which is neutral and non-polar, with leucine, which is neutral and non-polar, at codon 437 of the APC protein (p.Pro437Leu). This variant is not present in population databases (gnomAD no frequency). This variant has not been reported in the literature in individuals affected with APC-related conditions. ClinVar contains an entry for this variant (Variation ID: 1769651). An algorithm developed to predict the effect of missense changes on protein structure and function (PolyPhen-2) suggests that this variant is likely to be tolerated. In summary, the available evidence is currently insufficient to determine the role of this variant in disease. Therefore, it has been classified as a Variant of Uncertain Significance.

Ambry Genetics
Classification: Uncertain significance for Hereditary cancer-predisposing syndrome. Last evaluated: 2022-10-07. Review status: criteria provided, single submitter. Criteria: Ambry Variant Classification Scheme 2023. Collection method: clinical testing. Allele origin: germline.
Comment: The p.P437L variant (also known as c.1310C>T), located in coding exon 9 of the APC gene, results from a C to T substitution at nucleotide position 1310. The proline at codon 437 is replaced by leucine, an amino acid with similar properties. This amino acid position is highly conserved in available vertebrate species. In addition, in silico predictors for this gene do not accurately predict pathogenicity. Since supporting evidence is limited at this time, the clinical significance of this alteration remains unclear.